The following is an entry in ClinVar:

NM_001089.3(ABCA3):c.4085C>T (p.Ala1362Val)

Gene: ABCA3 (ATP binding cassette subfamily A member 3; minus strand). Cytogenetic location: 16p13.3.
Variant type: single nucleotide variant.
Coding change: c.4085C>T on transcript NM_001089.3 (MANE Select); coding-DNA position 4085, C replaced by T.
Protein change: p.Ala1362Val; replaces alanine 1362 with valine.
Molecular consequence: missense variant.
Genome position (GRCh38, 1-based): chr16:2,281,460, G>A on the plus strand (C>T on the coding strand, the complement: ABCA3 is on the minus strand). VCF-style: chr16-2281460-G-A. GRCh37 (hg19) VCF-style: chr16-2331461-G-A.
Other names: short protein forms A1362V.
Identifiers: ClinVar variation 694630 (VCV000694630.18), dbSNP rs145251229, ClinGen allele CA7840258.
Genomic context (GRCh38, chr16:2,281,460, plus strand): 5'-ATCAGAGGTGTGTGGAGCAGGGAGTCCGGACTGGGGGCCAGGATGCGGGTCCTCTCGTCC[G>A]CTACATCTTGGTCCTCAGGAAGCACAGGCATCCGGGTGTATAATTCTGTCTGATTGACCA-3'
Protein context (NP_001080.2, residues 1352-1372): MPVLPEDQDV[Ala1362Val]DERTRILAPS

ClinVar aggregate classification (germline): Conflicting classifications of pathogenicity. Review status: criteria provided, conflicting classifications (1 of 4 stars). 5 submissions from 5 submitters: Uncertain significance (2); Benign (1); Likely benign (2). Last evaluated 2026-01-31.

Conditions:
Hereditary pulmonary alveolar proteinosis. Also called: Pulmonary surfactant metabolism dysfunction. Identifiers: Orphanet 264675, MedGen C3711368, MONDO:0012580.
Interstitial lung disease due to ABCA3 deficiency. Also called: PULMONARY ALVEOLAR PROTEINOSIS, CONGENITAL, 3. Identifiers: Orphanet 440402, MedGen C1970456, MONDO:0012582, OMIM 610921.

Allele frequency attached by ClinVar (database versions not stated): ESP Exome Variant Server 0.00015; ExAC 0.00022; TOPMed 0.00023; gnomAD 0.00026 and 0.00039; gnomAD exomes 0.00027; 1000 Genomes Project 30x 0.00062; 1000 Genomes Project 0.00080.

Submissions (5):

Labcorp Genetics (formerly Invitae), Labcorp
Classification: Likely benign. Last evaluated: 2026-01-31. Review status: criteria provided, single submitter. Criteria: Invitae Variant Classification Sherloc (09022015). Collection method: clinical testing. Allele origin: germline.

Blueprint Genetics
Classification: Likely benign. Last evaluated: 2024-11-06. Review status: criteria provided, single submitter. Criteria: ACMG Guidelines, 2015. Collection method: clinical testing. Allele origin: germline.

Ambry Genetics
Classification: Uncertain significance for Hereditary pulmonary alveolar proteinosis. Last evaluated: 2023-06-26. Review status: criteria provided, single submitter. Criteria: Ambry Variant Classification Scheme 2023. Collection method: clinical testing. Allele origin: germline.
Comment: The p.A1362V variant (also known as c.4085C>T), located in coding exon 24 of the ABCA3 gene, results from a C to T substitution at nucleotide position 4085. The alanine at codon 1362 is replaced by valine, an amino acid with similar properties. This variant was previously reported in the SNPDatabase as rs145251229. Based on data from the 1000 Genomes Project, the T allele has an overall frequency of approximately 0.14% (3/2098) total alleles studied. The highest observed frequency was 1.69% (3/178) Japanese alleles. Based on data from the NHLBI Exome Sequencing Project (ESP), the T allele has an overall frequency of approximately 0.02% (2/12996) total alleles studied and 0.02% (2/8600) European American alleles. This amino acid position is not well conserved in available vertebrate species, and valine is the reference amino acid in other vertebrate species. In addition, this alteration is predicted to be tolerated by in silico analysis. Based on available evidence to date, the clinical significance of this variant remains unclear.

Johns Hopkins Genomics, Johns Hopkins University
Classification: Uncertain significance for Interstitial lung disease due to ABCA3 deficiency. Last evaluated: 2019-05-20. Review status: criteria provided, single submitter. Criteria: ACMG Guidelines, 2015. Collection method: clinical testing. Allele origin: germline.
Comment: This previously reported ABCA3 variant (rs145251229) has been identified in large population datasets and the minor allele frequency is neither low enough to consider the variant rare (<0.1%) nor high enough to consider it a population polymorphism (>1%) within a subpopulation (gnomAD total: 72/282632 alleles; 0.02547%, no homozygotes). Two bioinformatic tools queried predict that this substitution would be tolerated, and the alanine residue at this position is not evolutionarily conserved across species assessed. Bioinformatic analysis predicts that this missense variant would not affect normal exon 27 splicing, although this has not been confirmed experimentally to our knowledge. Due to insufficient evidence that this variant is deleterious, the clinical significance of c.4085C>T is uncertain at this time.

Illumina Laboratory Services, Illumina
Classification: Benign for Interstitial lung disease due to ABCA3 deficiency. Last evaluated: 2017-04-27. Review status: criteria provided, single submitter. Criteria: ICSL Variant Classification Criteria 13 December 2019. Collection method: clinical testing. Allele origin: germline.
Comment: This variant was observed as part of a predisposition screen in an ostensibly healthy population. A literature search was performed for the gene, cDNA change, and amino acid change (where applicable). Publications were found based on this search. The evidence from the literature, in combination with allele frequency data from public databases where available, was sufficient to rule this variant out of causing disease. Therefore, this variant is classified as benign.

Literature cited by the submitters: PubMed 25105258 (cited by Ambry Genetics and Illumina Laboratory Services, Illumina).